The following is an entry in ClinVar:

ClinVar aggregate classification (germline): Likely benign (1 of 4 stars; one submission).

Conditions:
FRYL-related disorder.

Submission:

PreventionGenetics, part of Exact Sciences
Classification: Likely benign for FRYL-related condition. Last evaluated: 2026-01-28. Review status: criteria provided, single submitter. Criteria: ACMG Guidelines, 2015. Collection method: clinical testing. Allele origin: germline.
Comment: This variant is classified as likely benign based on ACMG/AMP sequence variant interpretation guidelines (Richards et al. 2015 PMID: 25741868, with internal and published modifications).

NM_015030.2(FRYL):c.1249-2del

Gene: FRYL (FRY like transcription coactivator; minus strand). Cytogenetic location: 4p11.
Variant type: Deletion.
Coding change: c.1249-2del on transcript NM_015030.2 (MANE Select); the canonical splice acceptor site of the intron before coding-DNA position 1249, one base deleted (A; older notation c.1249-2delA).
Molecular consequence: splice acceptor variant.
Genome position (GRCh38, 1-based): chr4:48,594,018, T deleted on the plus strand (A on the coding strand, the reverse complement: FRYL is on the minus strand); the first of 2 consecutive T bases (chr4:48,594,018-48,594,019); deleting either gives the same sequence. VCF-style (leftmost placement, unchanged base first): chr4-48594017-CT-C. GRCh37 (hg19) VCF-style: chr4-48596034-CT-C.
Identifiers: ClinVar variation 4981313 (VCV004981313.1).